The following is an entry in ClinVar:

NM_182961.4(SYNE1):c.19894-75C>T

Gene: SYNE1 (spectrin repeat containing nuclear envelope protein 1; minus strand). Cytogenetic location: 6q25.2.
Variant type: single nucleotide variant.
Coding change: c.19894-75C>T on transcript NM_182961.4 (MANE Select); 75 bases into the intron before coding-DNA position 19894, C replaced by T.
Molecular consequence: intron variant.
Genome position (GRCh38, 1-based): chr6:152,239,781, G>A on the plus strand (C>T on the coding strand, the complement: SYNE1 is on the minus strand). VCF-style: chr6-152239781-G-A. GRCh37 (hg19) VCF-style: chr6-152560916-G-A.
Other names: c.19681-75C>T (NM_033071.5).
Identifiers: ClinVar variation 670195 (VCV000670195.1), dbSNP rs9479275, ClinGen allele CA12282188.
Genomic context (GRCh38, chr6:152,239,781, plus strand): 5'-GAAGAAAGAAGTCAGCAACTCATTCATATATTATGTTAGAATCAAAATTGGTTTAGGGCC[G>A]GGTGCGGTGGCTCACGCCTGTAATCCCAACAGTTGGGGAGGCTGAAGTGGGTGGATTACC-3'

ClinVar aggregate classification (germline): Benign (1 of 4 stars; one submission).

Allele frequency attached by ClinVar (database versions not stated): gnomAD 0.27913 and 0.28238; TOPMed 0.29176; 1000 Genomes Project 0.30671; 1000 Genomes Project 30x 0.30824.
gnomAD v4.1: 437,790 of 1,541,788 alleles (28%); highest among the groups gnomAD compares: Admixed American, 47%; 63,404 homozygotes.

Submission:

GeneDx
Classification: Benign. Last evaluated: 2018-06-18. Review status: criteria provided, single submitter. Criteria: GeneDx Variant Classification (06012015). Collection method: clinical testing. Allele origin: germline. Affected: yes.
Comment: This variant is considered likely benign or benign based on one or more of the following criteria: it is a conservative change, it occurs at a poorly conserved position in the protein, it is predicted to be benign by multiple in silico algorithms, and/or has population frequency not consistent with disease.